The following is an entry in ClinVar:

ClinVar aggregate classification (germline): Uncertain significance (1 of 4 stars; one submission).

Submission:

Labcorp Genetics (formerly Invitae), Labcorp
Classification: Uncertain significance. Last evaluated: 2026-01-19. Review status: criteria provided, single submitter. Criteria: Invitae Variant Classification Sherloc (09022015). Collection method: clinical testing. Allele origin: germline.
Comment: This variant, c.12_13delinsTT, is a complex sequence change that results in the deletion of two and insertion of two amino acid(s) in the TSEN54 protein (p.Glu4_Pro5delinsAspSer). Information on the frequency of this variant in the gnomAD database is not available, as this variant may be reported differently in the database. This variant has not been reported in the literature in individuals affected with TSEN54-related conditions. ClinVar contains an entry for this variant (Variation ID: 1484891). Experimental studies and prediction algorithms are not available or were not evaluated, and the functional significance of this variant is currently unknown. In summary, the available evidence is currently insufficient to determine the role of this variant in disease. Therefore, it has been classified as a Variant of Uncertain Significance.

NM_207346.3(TSEN54):c.12_13delinsTT (p.Glu4_Pro5delinsAspSer)

Genes: TSEN54 (tRNA splicing endonuclease subunit 54; plus strand), LOC112533671 (Sharpr-MPRA regulatory region 12010; plus strand). Cytogenetic location: 17q25.1.
Variant type: Indel.
Coding change: c.12_13delinsTT on transcript NM_207346.3 (MANE Select); coding-DNA positions 12 to 13, GC replaced by TT.
Protein change: p.Glu4_Pro5delinsAspSer.
Molecular consequence: missense variant.
Genome position (GRCh38, 1-based): chr17:75,516,572-75,516,573, GC replaced by TT. VCF-style: chr17-75516572-GC-TT. GRCh37 (hg19) VCF-style: chr17-73512653-GC-TT.
Identifiers: ClinVar variation 1484891 (VCV001484891.8), dbSNP rs2147004874, ClinGen allele CA2573154898.
Genomic context (GRCh38, chr17:75,516,572, plus strand): 5'-CGGCGGTGGGCGGGGCGTGGCGGCGCGCGCAGCGGCAGGCGGCGGCGGGATGGAGCCCGA[GC>TT]CCGAGCCCGCGGCCGTGGAGGTTCCCGCGGGGCGCGTGCTCAGGTGCGGCGCGGCCCGGC-3'